The following is an entry in ClinVar:

ClinVar aggregate classification (germline): Benign (0 of 4 stars; one submission).

Conditions:
KCNQ1-related disorder. Also called: KCNQ1-related condition; KCNQ1-related disorders. Identifiers: MedGen CN239322.

Allele frequency attached by ClinVar (database versions not stated): gnomAD exomes 0.05562; gnomAD 0.06167; TOPMed 0.06520; 1000 Genomes Project 30x 0.06668; 1000 Genomes Project 0.06669.
gnomAD v4.1: 23,269 of 398,652 alleles (5.8%); highest among the groups gnomAD compares: Middle Eastern, 9.9%; 813 homozygotes.

Submission:

PreventionGenetics, part of Exact Sciences
Classification: Benign for KCNQ1-related condition. Last evaluated: 2019-12-19. Review status: no assertion criteria provided. Collection method: clinical testing. Allele origin: germline.
Comment: This variant is classified as benign based on ACMG/AMP sequence variant interpretation guidelines (Richards et al. 2015 PMID: 25741868, with internal and published modifications).

NM_000218.3(KCNQ1):c.1514+23479C>T

Genes: KCNQ1 (potassium voltage-gated channel subfamily Q member 1; plus strand), KCNQ1OT1 (KCNQ1 opposite strand/antisense transcript 1; minus strand). Cytogenetic location: 11p15.5.
Variant type: single nucleotide variant.
Coding change: c.1514+23479C>T on transcript NM_000218.3 (MANE Select); 23479 bases into the intron after coding-DNA position 1514, C replaced by T.
Molecular consequence: intron variant. On other transcripts: non-coding transcript variant (1).
Genome position (GRCh38, 1-based): chr11:2,685,560, C>T. VCF-style: chr11-2685560-C-T. GRCh37 (hg19) VCF-style: chr11-2706790-C-T.
Other names: c.1244+23479C>T (NM_001406837.1); c.1418+23479C>T (NM_001406836.1); c.974+23479C>T (NM_001406838.1); c.1133+23479C>T (NM_181798.2).
Identifiers: ClinVar variation 3037400 (VCV003037400.2), dbSNP rs75643572, ClinGen allele CA13500383.